The following is an entry in ClinVar:

ClinVar aggregate classification (germline): Benign. Review status: reviewed by expert panel (3 of 4 stars). 2 submissions from 2 submitters: Benign (1). 1 of the submissions does not count toward it. Last evaluated 2015-01-12.

Conditions:
Breast-ovarian cancer, familial, susceptibility to, 1 (BROVCA1). Also called: BRCA1 Hereditary Breast and Ovarian Cancer; OVARIAN CANCER, SUSCEPTIBILITY TO. Identifiers: Orphanet 145, MedGen C2676676, MONDO:0011450, OMIM 604370. Disease mechanism: loss of function.

Allele frequency attached by ClinVar (database versions not stated): TOPMed 0.00878; 1000 Genomes Project 30x 0.01046; 1000 Genomes Project 0.01118; gnomAD 0.01351 and 0.01393.
gnomAD v4.1: 2,105 of 151,908 alleles (1.4%); highest among the groups gnomAD compares: South Asian, 3.2%; 28 homozygotes.

Submissions (2):

Evidence-based Network for the Interpretation of Germline Mutant Alleles (ENIGMA)
Classification: Benign for Breast-ovarian cancer, familial 1. Last evaluated: 2015-01-12. Review status: reviewed by expert panel. Criteria: ENIGMA BRCA1/2 Classification Criteria (2015). Collection method: curation. Allele origin: germline.
Comment: Class 1 not pathogenic based on frequency >1% in an outbred sampleset. Frequency 0.02243 (European), derived from 1000 genomes (2012-04-30).

Breakthrough Genomics
Classification: Benign. Review status: criteria provided, single submitter. Criteria: ACMG Guidelines, 2015. Collection method: not provided. Allele origin: germline. Inheritance: Autosomal recessive inheritance. Affected: yes. Not counted in ClinVar's aggregate classification.

NM_007294.4(BRCA1):c.5277+2439T>A

Gene: BRCA1 (BRCA1 DNA repair associated; minus strand). Cytogenetic location: 17q21.31.
Variant type: single nucleotide variant.
Coding change: c.5277+2439T>A on transcript NM_007294.4 (MANE Select); 2439 bases into the intron after coding-DNA position 5277, T replaced by A.
Molecular consequence: intron variant.
Genome position (GRCh38, 1-based): chr17:43,054,613, A>T on the plus strand (T>A on the coding strand, the complement: BRCA1 is on the minus strand). VCF-style: chr17-43054613-A-T. GRCh37 (hg19) VCF-style: chr17-41206630-A-T.
Other names: IVS 20+2439T>A; c.1824+2439T>A (NM_001408458.1, NM_001408461.1, NM_001408464.1 and 7 more transcripts); c.4386+2439T>A (NM_001407967.1); c.4896+2439T>A (NM_001407959.1); c.5010+2439T>A (NM_001407931.1, NM_001407932.1, NM_001407928.1 and 4 more transcripts); c.5133+2439T>A (NM_001407747.1, NM_001407745.1, NM_001407737.1 and 21 more transcripts); c.4893+2439T>A (NM_001407962.1, NM_001407960.1); c.1464+2439T>A (NM_001408512.1); and 73 more.
Identifiers: ClinVar variation 209281 (VCV000209281.3), dbSNP rs143042094, ClinGen allele CA276253.
Genomic context (GRCh38, chr17:43,054,613, plus strand): 5'-CCTCAGCCTCCTGAGTAGCTGGGAATACAAGAGTGTGCTACGACACCCAATTAATTTTTA[A>T]ATTTTTTTGTAGAGACAGGGTCTTACTATGTTGCCCAGGCTAGTCTTGAACTCCTGGGCT-3'